The following is an entry in ClinVar:

ClinVar aggregate classification (germline): Likely benign (0 of 4 stars; one submission).

Conditions:
RECQL5-related disorder. Also called: RECQL5-related condition.

Allele frequency attached by ClinVar (database versions not stated): gnomAD exomes 0.00009; ExAC 0.00027; 1000 Genomes Project 0.00080; gnomAD 0.00086; TOPMed 0.00094; 1000 Genomes Project 30x 0.00109; ESP Exome Variant Server 0.00120.
gnomAD v4.1: 262 of 1,613,014 alleles (0.016%); highest among the groups gnomAD compares: African/African-American, 0.27%; 1 homozygote.

Submission:

PreventionGenetics, part of Exact Sciences
Classification: Likely benign for RECQL5-related condition. Last evaluated: 2022-04-28. Review status: no assertion criteria provided. Collection method: clinical testing. Allele origin: germline.
Comment: This variant is classified as likely benign based on ACMG/AMP sequence variant interpretation guidelines (Richards et al. 2015 PMID: 25741868, with internal and published modifications).

NM_004259.7(RECQL5):c.1317C>T (p.Ala439=)

Gene: RECQL5 (RecQ like helicase 5; minus strand). Cytogenetic location: 17q25.1.
Variant type: single nucleotide variant.
Coding change: c.1317C>T on transcript NM_004259.7 (MANE Select); coding-DNA position 1317, C replaced by T.
Protein change: p.Ala439=; no amino-acid change (alanine 439 retained).
Molecular consequence: synonymous variant.
Genome position (GRCh38, 1-based): chr17:75,631,581, G>A on the plus strand (C>T on the coding strand, the complement: RECQL5 is on the minus strand). VCF-style: chr17-75631581-G-A. GRCh37 (hg19) VCF-style: chr17-73627661-G-A.
Identifiers: ClinVar variation 3047467 (VCV003047467.2), dbSNP rs201940860, ClinGen allele CA8767572.
Genomic context (GRCh38, chr17:75,631,581, plus strand): 5'-CCCGATGCAGGTCTTGCTCCAGCTGCTGCTGCGCTCCAAGGCCTCCAGCCGCCTCCGCAC[G>A]GCCGTGGGGTTCTGGCAGTGGTCGCAGCCTTTGGCGCAGGCAGGCAGCGCATCCCCGAAG-3'
Protein context (NP_004250.4, residues 429-449): KGCDHCQNPT[Ala439=]VRRRLEALER